The following is an entry in ClinVar:

ClinVar aggregate classification (germline): Uncertain significance (1 of 4 stars; one submission).

Conditions:
Cholestanol storage disease (CTX). Also called: CEREBRAL CHOLESTERINOSIS; CTX: Cerebrotendinous xanthomatosis; Cerebrotendinous Xanthomatosis. Identifiers: Orphanet 909, MedGen C0238052, MONDO:0008948, OMIM 213700.

Allele frequency attached by ClinVar (database versions not stated): gnomAD 0.00001; ESP Exome Variant Server 0.00008.
gnomAD v4.1: 5 of 1,614,206 alleles (0.00031%); highest among the groups gnomAD compares: Non-Finnish European, 0.00042%; no homozygotes.

Submission:

Labcorp Genetics (formerly Invitae), Labcorp
Classification: Uncertain significance for Cholestanol storage disease. Last evaluated: 2021-08-13. Review status: criteria provided, single submitter. Criteria: Invitae Variant Classification Sherloc (09022015). Collection method: clinical testing. Allele origin: germline.
Comment: This sequence change replaces glutamine with lysine at codon 525 of the CYP27A1 protein (p.Gln525Lys). The glutamine residue is weakly conserved and there is a small physicochemical difference between glutamine and lysine. This variant is not present in population databases (ExAC no frequency). This variant has not been reported in the literature in individuals affected with CYP27A1-related conditions. Algorithms developed to predict the effect of missense changes on protein structure and function (SIFT, PolyPhen-2, Align-GVGD) all suggest that this variant is likely to be tolerated. In summary, the available evidence is currently insufficient to determine the role of this variant in disease. Therefore, it has been classified as a Variant of Uncertain Significance.

NM_000784.4(CYP27A1):c.1573C>A (p.Gln525Lys)

Gene: CYP27A1 (cytochrome P450 family 27 subfamily A member 1; plus strand). Cytogenetic location: 2q35.
Variant type: single nucleotide variant.
Coding change: c.1573C>A on transcript NM_000784.4 (MANE Select); coding-DNA position 1573, C replaced by A.
Protein change: p.Gln525Lys; replaces glutamine 525 with lysine.
Molecular consequence: missense variant.
Genome position (GRCh38, 1-based): chr2:218,815,007, C>A. VCF-style: chr2-218815007-C-A. GRCh37 (hg19) VCF-style: chr2-219679730-C-A.
Other names: short protein forms Q525K.
Identifiers: ClinVar variation 1437666 (VCV001437666.5), dbSNP rs374507635, ClinGen allele CA65835965.